The following is an entry in ClinVar:

ClinVar aggregate classification (germline): Pathogenic (1 of 4 stars; one submission).

Conditions:
Hypokalemic periodic paralysis, type 1. Also called: Hypokalemic Periodic Paralysis Type 1 (AD); HypoPP. Identifiers: Orphanet 681, MedGen C3714580, MONDO:0042979, OMIM 170400.
Malignant hyperthermia, susceptibility to, 5 (MHS5). Also called: CACNA1S-Related Malignant Hyperthermia Susceptibility. Identifiers: Orphanet 423, MedGen C1866077, MONDO:0011163, OMIM 601887.

Submission:

Labcorp Genetics (formerly Invitae), Labcorp
Classification: Pathogenic for Hypokalemic periodic paralysis, type 1; Malignant hyperthermia, susceptibility to, 5. Last evaluated: 2022-07-19. Review status: criteria provided, single submitter. Criteria: Invitae Variant Classification Sherloc (09022015). Collection method: clinical testing. Allele origin: germline.
Comment: For these reasons, this variant has been classified as Pathogenic. This variant has not been reported in the literature in individuals affected with CACNA1S-related conditions. This variant is a gross deletion of the genomic region encompassing exon(s) 39-40 of the CACNA1S gene. This deletion is out-of-frame, and is expected to create a premature termination codon and result in an absent or disrupted protein product. Loss-of-function variants in CACNA1S are known to be pathogenic (PMID: 26247046, 28012042).

Literature cited by the submitters: PubMed 26247046; PubMed 28012042.

NC_000001.10:g.(?_201012389)_(201013604_?)del

Gene: CACNA1S (calcium voltage-gated channel subunit alpha1 S; minus strand). Cytogenetic location: 1q32.1.
Variant type: Deletion.
Identifiers: ClinVar variation 1454476 (VCV001454476.8).